The following is an entry in ClinVar:

ClinVar aggregate classification (germline): Likely benign. Review status: criteria provided, multiple submitters, no conflicts (2 of 4 stars). 2 submissions from 2 submitters: Likely benign (2). Last evaluated 2026-09-01.

Allele frequency attached by ClinVar (database versions not stated): gnomAD exomes 0.00003; ExAC 0.00007; TOPMed 0.00019; gnomAD 0.00021; ESP Exome Variant Server 0.00023.
gnomAD v4.1: 78 of 1,613,942 alleles (0.0048%); highest among the groups gnomAD compares: African/African-American, 0.043%; no homozygotes.

Submissions (2):

CeGaT Center for Human Genetics Tuebingen
Classification: Likely benign. Last evaluated: 2026-09-01. Review status: criteria provided, single submitter. Criteria: CeGaT Center For Human Genetics Tuebingen Variant Classification Criteria Version 2. Collection method: clinical testing. Allele origin: germline. Affected: yes. Observed: 1 variant allele.
Comment: ADCY5: BP4, BP7

Labcorp Genetics (formerly Invitae), Labcorp
Classification: Likely benign. Last evaluated: 2024-10-29. Review status: criteria provided, single submitter. Criteria: Invitae Variant Classification Sherloc (09022015). Collection method: clinical testing. Allele origin: germline.

NM_183357.3(ADCY5):c.3213G>A (p.Ala1071=)

Gene: ADCY5 (adenylate cyclase 5; minus strand). Cytogenetic location: 3q21.1.
Variant type: single nucleotide variant.
Coding change: c.3213G>A on transcript NM_183357.3 (MANE Select); coding-DNA position 3213, G replaced by A.
Protein change: p.Ala1071=; no amino-acid change (alanine 1071 retained).
Molecular consequence: synonymous variant.
Genome position (GRCh38, 1-based): chr3:123,291,227, C>T on the plus strand (G>A on the coding strand, the complement: ADCY5 is on the minus strand). VCF-style: chr3-123291227-C-T. GRCh37 (hg19) VCF-style: chr3-123010074-C-T.
Other names: c.2163G>A, p.Ala721= (NM_001199642.1); c.3288G>A, p.Ala1096= (NM_001378259.1).
Identifiers: ClinVar variation 2416818 (VCV002416818.8), dbSNP rs111603078, ClinGen allele CA2576829.